The following is an entry in ClinVar:

NM_020971.3(SPTBN4):c.1713C>T (p.Asp571=)

Gene: SPTBN4 (spectrin beta, non-erythrocytic 4; plus strand). Cytogenetic location: 19q13.2.
Variant type: single nucleotide variant.
Coding change: c.1713C>T on transcript NM_020971.3 (MANE Select); coding-DNA position 1713, C replaced by T.
Protein change: p.Asp571=; no amino-acid change (aspartic acid 571 retained).
Molecular consequence: synonymous variant.
Genome position (GRCh38, 1-based): chr19:40,506,283, C>T. VCF-style: chr19-40506283-C-T. GRCh37 (hg19) VCF-style: chr19-41012190-C-T.
Other names: c.1713C>T (NM_020971.2).
Identifiers: ClinVar variation 1333117 (VCV001333117.5), dbSNP rs7258094, ClinGen allele CA9445762.

ClinVar aggregate classification (germline): Benign. Review status: criteria provided, multiple submitters, no conflicts (2 of 4 stars). 3 submissions from 3 submitters: Benign (2). 1 of the submissions does not count toward it. Last evaluated 2021-07-15.

Conditions:
SPTBN4-related disorder. Also called: SPTBN4-related condition.
Neurodevelopmental disorder with hypotonia, neuropathy, and deafness (NEDHND). Also called: Myopathy, congenital, with neuropathy and deafness; SPTBN4 Disorder. Identifiers: MedGen C4479603, MONDO:0060496, OMIM 617519.

Allele frequency attached by ClinVar (database versions not stated): 1000 Genomes Project 0.18890; 1000 Genomes Project 30x 0.19035; gnomAD exomes 0.20482; ExAC 0.21045; gnomAD 0.22734 and 0.23149; TOPMed 0.22806; ESP Exome Variant Server 0.24496.
gnomAD v4.1: 372,333 of 1,613,722 alleles (23%); highest among the groups gnomAD compares: African/African-American, 25%; 44,426 homozygotes.

Submissions (3):

Genome-Nilou Lab
Classification: Benign for Neurodevelopmental disorder with hypotonia, neuropathy, and deafness. Last evaluated: 2021-07-15. Review status: criteria provided, single submitter. Criteria: ACMG Guidelines, 2015. Collection method: clinical testing. Allele origin: germline. Affected: no.

Breakthrough Genomics
Classification: Benign. Review status: criteria provided, single submitter. Criteria: ACMG Guidelines, 2015. Collection method: not provided. Allele origin: germline. Inheritance: Autosomal recessive inheritance. Affected: yes.

PreventionGenetics, part of Exact Sciences
Classification: Benign for SPTBN4-related condition. Last evaluated: 2019-10-17. Review status: no assertion criteria provided. Collection method: clinical testing. Allele origin: germline. Not counted in ClinVar's aggregate classification.
Comment: This variant is classified as benign based on ACMG/AMP sequence variant interpretation guidelines (Richards et al. 2015 PMID: 25741868, with internal and published modifications).